The following is an entry in ClinVar:

ClinVar aggregate classification (germline): Uncertain significance (1 of 4 stars; one submission).

Conditions:
Spastic ataxia 2. Also called: Ataxia, spastic, 2, autosomal recessive. Identifiers: Orphanet 397946, MedGen C1969796, MONDO:0012651, OMIM 611302.

Allele frequency attached by ClinVar (database versions not stated): gnomAD exomes below 0.00001.

Submission:

Labcorp Genetics (formerly Invitae), Labcorp
Classification: Uncertain significance for Spastic ataxia 2. Last evaluated: 2023-10-13. Review status: criteria provided, single submitter. Criteria: Invitae Variant Classification Sherloc (09022015). Collection method: clinical testing. Allele origin: germline.
Comment: This sequence change falls in intron 13 of the KIF1C gene. It does not directly change the encoded amino acid sequence of the KIF1C protein. This variant is not present in population databases (gnomAD no frequency). This variant has not been reported in the literature in individuals affected with KIF1C-related conditions. ClinVar contains an entry for this variant (Variation ID: 1449785). Algorithms developed to predict the effect of sequence changes on RNA splicing suggest that this variant may create or strengthen a splice site. In summary, the available evidence is currently insufficient to determine the role of this variant in disease. Therefore, it has been classified as a Variant of Uncertain Significance.

NM_006612.6(KIF1C):c.1165+16A>T

Gene: KIF1C (kinesin family member 1C; plus strand). Cytogenetic location: 17p13.2.
Variant type: single nucleotide variant.
Coding change: c.1165+16A>T on transcript NM_006612.6 (MANE Select); 16 bases into the intron after coding-DNA position 1165, A replaced by T.
Molecular consequence: intron variant.
Genome position (GRCh38, 1-based): chr17:5,005,016, A>T. VCF-style: chr17-5005016-A-T. GRCh37 (hg19) VCF-style: chr17-4908311-A-T.
Identifiers: ClinVar variation 1449785 (VCV001449785.6), dbSNP rs2143325151, ClinGen allele CA2573152996.